The following is an entry in ClinVar:

ClinVar aggregate classification (germline): Uncertain significance (1 of 4 stars; one submission).

Conditions:
Ataxia-telangiectasia syndrome (AT). Also called: Cerebello-oculocutaneous telangiectasia; Immunodeficiency with ataxia telangiectasia; LOUIS-BAR SYNDROME; ATAXIA-TELANGIECTASIA, COMPLEMENTATION GROUP A; ATAXIA-TELANGIECTASIA, FRESNO VARIANT; Ataxia-telangiectasia, complementation group D. Identifiers: Orphanet 100, MedGen C0004135, MONDO:0008840, OMIM 208900.

Submission:

Labcorp Genetics (formerly Invitae), Labcorp
Classification: Uncertain significance for Ataxia-telangiectasia syndrome. Last evaluated: 2021-09-21. Review status: criteria provided, single submitter. Criteria: Invitae Variant Classification Sherloc (09022015). Collection method: clinical testing. Allele origin: germline.
Comment: In summary, the available evidence is currently insufficient to determine the role of this variant in disease. Therefore, it has been classified as a Variant of Uncertain Significance. Advanced modeling of protein sequence and biophysical properties (such as structural, functional, and spatial information, amino acid conservation, physicochemical variation, residue mobility, and thermodynamic stability) performed at Invitae indicates that this missense variant is not expected to disrupt ATM protein function. This variant has not been reported in the literature in individuals affected with ATM-related conditions. This variant is not present in population databases (ExAC no frequency). This sequence change replaces aspartic acid with histidine at codon 1848 of the ATM protein (p.Asp1848His). The aspartic acid residue is moderately conserved and there is a moderate physicochemical difference between aspartic acid and histidine.

NM_000051.4(ATM):c.5542G>C (p.Asp1848His)

Gene: ATM (ATM serine/threonine kinase; plus strand). Cytogenetic location: 11q22.3.
Variant type: single nucleotide variant.
Coding change: c.5542G>C on transcript NM_000051.4 (MANE Select); coding-DNA position 5542, G replaced by C.
Protein change: p.Asp1848His; replaces aspartic acid 1848 with histidine.
Molecular consequence: missense variant.
Genome position (GRCh38, 1-based): chr11:108,304,720, G>C. VCF-style: chr11-108304720-G-C. GRCh37 (hg19) VCF-style: chr11-108175447-G-C.
Other names: c.5542G>C, p.Asp1848His (NM_001351834.2); short protein forms D1848H.
Identifiers: ClinVar variation 1382549 (VCV001382549.6), dbSNP rs2135943397, ClinGen allele CA382545932.